The following is an entry in ClinVar:

ClinVar aggregate classification (germline): Benign/Likely benign. Review status: criteria provided, multiple submitters, no conflicts (2 of 4 stars). 8 submissions from 8 submitters: Benign (6); Likely benign (2). Last evaluated 2026-02-02.

Conditions:
TYRP1-related disorder. Also called: TYRP1-related condition.
Oculocutaneous albinism type 3 (OCA3). Also called: Albinism, oculocutaneous, type III; RUFOUS OCULOCUTANEOUS ALBINISM; XANTHISM; ALBINISM III; Rufous OCA; Rufous albinism. Identifiers: Orphanet 79433, MedGen C0342683, MONDO:0008747, OMIM 203290.
MELANESIAN BLOND HAIR (SHEP11). Also called: Skin/hair/eye pigmentation, variation in, 11; SKIN/HAIR/EYE PIGMENTATION 11, BLUE/NONBLUE EYES. Identifiers: MedGen C2677086, OMIM 612271.

Allele frequency attached by ClinVar (database versions not stated): gnomAD exomes 0.00267; ExAC 0.00358; gnomAD 0.01058 and 0.01144; TOPMed 0.01216; 1000 Genomes Project 0.01338; ESP Exome Variant Server 0.01399; 1000 Genomes Project 30x 0.01452.

Submissions (8):

Labcorp Genetics (formerly Invitae), Labcorp
Classification: Benign. Last evaluated: 2026-02-02. Review status: criteria provided, single submitter. Criteria: Invitae Variant Classification Sherloc (09022015). Collection method: clinical testing. Allele origin: germline.

CeGaT Center for Human Genetics Tuebingen
Classification: Benign. Last evaluated: 2025-10-01. Review status: criteria provided, single submitter. Criteria: CeGaT Center For Human Genetics Tuebingen Variant Classification Criteria Version 2. Collection method: clinical testing. Allele origin: germline. Affected: yes. Observed: 1 variant allele.
Comment: TYRP1: BS1, BS2

PreventionGenetics, part of Exact Sciences
Classification: Likely benign for TYRP1-related condition. Last evaluated: 2025-05-30. Review status: criteria provided, single submitter. Criteria: ACMG Guidelines, 2015. Collection method: clinical testing. Allele origin: germline.
Comment: This variant is classified as likely benign based on ACMG/AMP sequence variant interpretation guidelines (Richards et al. 2015 PMID: 25741868, with internal and published modifications).

Fulgent Genetics
Classification: Likely benign for Oculocutaneous albinism type 3; MELANESIAN BLOND HAIR. Last evaluated: 2021-11-01. Review status: criteria provided, single submitter. Criteria: ACMG Guidelines, 2015. Collection method: clinical testing. Allele origin: unknown.

Mendelics
Classification: Benign for Oculocutaneous albinism type 3. Last evaluated: 2019-05-28. Review status: criteria provided, single submitter. Criteria: Mendelics Assertion Criteria 2017. Collection method: clinical testing. Allele origin: unknown.

Illumina Laboratory Services, Illumina
Classification: Benign for Oculocutaneous albinism type 3. Last evaluated: 2017-04-27. Review status: criteria provided, single submitter. Criteria: ICSL Variant Classification Criteria 13 December 2019. Collection method: clinical testing. Allele origin: germline.
Comment: This variant was observed as part of a predisposition screen in an ostensibly healthy population. A literature search was performed for the gene, cDNA change, and amino acid change (where applicable). No publications were found based on this search. Allele frequency data from public databases was too high to be consistent with this variant causing disease. Therefore, this variant is classified as benign.

Eurofins Ntd Llc (ga)
Classification: Benign. Last evaluated: 2015-01-08. Review status: criteria provided, single submitter. Criteria: EGL Classification Definitions 2015. Collection method: clinical testing. Allele origin: germline. Observed: 4 variant alleles, 4 heterozygotes.

Breakthrough Genomics
Classification: Benign. Review status: criteria provided, single submitter. Criteria: ACMG Guidelines, 2015. Collection method: not provided. Allele origin: germline. Inheritance: Autosomal recessive inheritance. Affected: yes.

NM_000550.3(TYRP1):c.1557T>G (p.Tyr519Ter)

Genes: LURAP1L-AS1 (LURAP1L antisense RNA 1; minus strand), TYRP1 (tyrosinase related protein 1; plus strand). Cytogenetic location: 9p23.
Variant type: single nucleotide variant.
Coding change: c.1557T>G on transcript NM_000550.3 (MANE Select); coding-DNA position 1557, T replaced by G.
Protein change: p.Tyr519Ter; replaces tyrosine 519 with a stop codon.
Molecular consequence: nonsense.
Genome position (GRCh38, 1-based): chr9:12,709,125, T>G. VCF-style: chr9-12709125-T-G. GRCh37 (hg19) VCF-style: chr9-12709125-T-G.
Other names: short protein forms Y519*.
Identifiers: ClinVar variation 198743 (VCV000198743.30), dbSNP rs41302073, ClinGen allele CA203581.
Genomic context (GRCh38, chr9:12,709,125, plus strand): 5'-TCTGATTCGTGCCAGACGCAGTATGGATGAAGCTAACCAGCCTCTCCTCACTGATCAGTA[T>G]CAATGCTATGCTGAAGAATATGAAAAACTCCAGAATCCTAATCAGTCTGTGGTCTAACAA-3'